The following is an entry in ClinVar:

ClinVar aggregate classification (germline): Uncertain significance (1 of 4 stars; one submission).

Conditions:
Hereditary sensory neuropathy-deafness-dementia syndrome. Also called: HSN IE; Hereditary sensory neuropathy type IE; NEUROPATHY, HEREDITARY SENSORY, WITH HEARING LOSS AND DEMENTIA; Hereditary Sensory and Autonomic Neuropathy Type 1E (HSAN1E). Identifiers: Orphanet 456318, MedGen C3279885, MONDO:0013584, OMIM 614116.

Allele frequency attached by ClinVar (database versions not stated): gnomAD exomes below 0.00001; TOPMed 0.00001.
gnomAD v4.1: 3 of 1,602,116 alleles (0.00019%); highest among the groups gnomAD compares: South Asian, 0.0022%; 1 homozygote.

Submission:

Labcorp Genetics (formerly Invitae), Labcorp
Classification: Uncertain significance for Hereditary sensory neuropathy-deafness-dementia syndrome. Last evaluated: 2022-09-29. Review status: criteria provided, single submitter. Criteria: Invitae Variant Classification Sherloc (09022015). Collection method: clinical testing. Allele origin: germline.
Comment: This sequence change falls in intron 34 of the DNMT1 gene. It does not directly change the encoded amino acid sequence of the DNMT1 protein. It affects a nucleotide within the consensus splice site. This variant is present in population databases (no rsID available, gnomAD 0.007%). This variant has not been reported in the literature in individuals affected with DNMT1-related conditions. Variants that disrupt the consensus splice site are a relatively common cause of aberrant splicing (PMID: 17576681, 9536098). Algorithms developed to predict the effect of sequence changes on RNA splicing suggest that this variant is not likely to affect RNA splicing. In summary, the available evidence is currently insufficient to determine the role of this variant in disease. Therefore, it has been classified as a Variant of Uncertain Significance.

Literature cited by the submitters: PubMed 17576681; PubMed 9536098.

NM_001130823.3(DNMT1):c.3949-3C>T

Gene: DNMT1 (DNA methyltransferase 1; minus strand). Cytogenetic location: 19p13.2.
Variant type: single nucleotide variant.
Coding change: c.3949-3C>T on transcript NM_001130823.3 (MANE Select); 3 bases into the intron before coding-DNA position 3949, C replaced by T.
Molecular consequence: intron variant.
Genome position (GRCh38, 1-based): chr19:10,138,608, G>A on the plus strand (C>T on the coding strand, the complement: DNMT1 is on the minus strand). VCF-style: chr19-10138608-G-A. GRCh37 (hg19) VCF-style: chr19-10249284-G-A.
Other names: c.3586-3C>T (NM_001318731.2); c.3901-3C>T (NM_001379.4, NM_001318730.2).
Identifiers: ClinVar variation 1933428 (VCV001933428.5), dbSNP rs1422432201, ClinGen allele CA631709479.